The following is an entry in ClinVar:

NM_001282531.3(ADNP):c.2277T>C (p.His759=)

Gene: ADNP (activity dependent neuroprotector homeobox; minus strand). Cytogenetic location: 20q13.13.
Variant type: single nucleotide variant.
Coding change: c.2277T>C on transcript NM_001282531.3 (MANE Select); coding-DNA position 2277, T replaced by C.
Protein change: p.His759=; no amino-acid change (histidine 759 retained).
Molecular consequence: synonymous variant.
Genome position (GRCh38, 1-based): chr20:50,892,437, A>G on the plus strand (T>C on the coding strand, the complement: ADNP is on the minus strand). VCF-style: chr20-50892437-A-G. GRCh37 (hg19) VCF-style: chr20-49508974-A-G.
Other names: c.2277T>C, p.His759= (NM_001282532.2, NM_001347511.2, NM_015339.5 and 1 more transcripts).
Identifiers: ClinVar variation 3898637 (VCV003898637.7).

ClinVar aggregate classification (germline): Likely benign (1 of 4 stars; one submission).

gnomAD v4.1: 2 of 1,614,184 alleles (0.00012%); highest among the groups gnomAD compares: Non-Finnish European, 0.00017%; no homozygotes.

Submission:

CeGaT Center for Human Genetics Tuebingen
Classification: Likely benign. Last evaluated: 2025-04-01. Review status: criteria provided, single submitter. Criteria: CeGaT Center For Human Genetics Tuebingen Variant Classification Criteria Version 2. Collection method: clinical testing. Allele origin: germline. Affected: yes. Observed: 1 variant allele.
Comment: ADNP: BP4, BP7